The following is an entry in ClinVar:

NM_000179.3(MSH6):c.2303C>T (p.Pro768Leu)

Gene: MSH6 (mutS homolog 6; plus strand). Cytogenetic location: 2p16.3.
Variant type: single nucleotide variant.
Coding change: c.2303C>T on transcript NM_000179.3 (MANE Select); coding-DNA position 2303, C replaced by T.
Protein change: p.Pro768Leu; replaces proline 768 with leucine.
Molecular consequence: missense variant.
Genome position (GRCh38, 1-based): chr2:47,800,286, C>T. VCF-style: chr2-47800286-C-T. GRCh37 (hg19) VCF-style: chr2-48027425-C-T.
Other names: c.1913C>T, p.Pro638Leu (NM_001281492.2); c.1397C>T, p.Pro466Leu (NM_001281493.2, NM_001281494.2); short protein forms P768L, P466L, P638L.
Identifiers: ClinVar variation 428418 (VCV000428418.15), dbSNP rs773162893, ClinGen allele CA346753067.

ClinVar aggregate classification (germline): Uncertain significance. Review status: criteria provided, multiple submitters, no conflicts (2 of 4 stars). 3 submissions from 3 submitters: Uncertain significance (3). Last evaluated 2025-06-24.

Conditions:
Hereditary cancer-predisposing syndrome. Also called: Hereditary Cancer Syndrome; Neoplastic Syndromes, Hereditary; Hereditary neoplastic syndrome; Tumor predisposition. Identifiers: Orphanet 140162, MedGen C0027672, MeSH D009386, MONDO:0015356.
Hereditary nonpolyposis colorectal neoplasms. Identifiers: MedGen C0009405, MeSH D003123.

Submissions (3):

Color Diagnostics, LLC DBA Color Health
Classification: Uncertain significance for Hereditary cancer-predisposing syndrome. Last evaluated: 2025-06-24. Review status: criteria provided, single submitter. Criteria: ACMG Guidelines, 2015. Collection method: clinical testing. Allele origin: germline.
Comment: This missense variant replaces proline with leucine at codon 768 of the MSH6 protein. Computational prediction is inconclusive regarding the impact of this variant on protein structure and function. To our knowledge, functional studies have not been reported for this variant. This variant has not been reported in individuals affected with MSH6-related disorders in the literature. This variant has not been identified in the general population by the Genome Aggregation Database (gnomAD). The available evidence is insufficient to determine the role of this variant in disease conclusively. Therefore, this variant is classified as a Variant of Uncertain Significance.

Labcorp Genetics (formerly Invitae), Labcorp
Classification: Uncertain significance for Hereditary nonpolyposis colorectal neoplasms. Last evaluated: 2024-09-15. Review status: criteria provided, single submitter. Criteria: Invitae Variant Classification Sherloc (09022015). Collection method: clinical testing. Allele origin: germline.
Comment: This sequence change replaces proline, which is neutral and non-polar, with leucine, which is neutral and non-polar, at codon 768 of the MSH6 protein (p.Pro768Leu). This variant is not present in population databases (gnomAD no frequency). This variant has not been reported in the literature in individuals affected with MSH6-related conditions. ClinVar contains an entry for this variant (Variation ID: 428418). Invitae Evidence Modeling of protein sequence and biophysical properties (such as structural, functional, and spatial information, amino acid conservation, physicochemical variation, residue mobility, and thermodynamic stability) indicates that this missense variant is not expected to disrupt MSH6 protein function with a negative predictive value of 95%. In summary, the available evidence is currently insufficient to determine the role of this variant in disease. Therefore, it has been classified as a Variant of Uncertain Significance.

Ambry Genetics
Classification: Uncertain significance for Hereditary cancer-predisposing syndrome. Last evaluated: 2023-07-24. Review status: criteria provided, single submitter. Criteria: Ambry Variant Classification Scheme 2023. Collection method: clinical testing. Allele origin: germline.
Comment: The p.P768L variant (also known as c.2303C>T), located in coding exon 4 of the MSH6 gene, results from a C to T substitution at nucleotide position 2303. The proline at codon 768 is replaced by leucine, an amino acid with similar properties. This amino acid position is well conserved in available vertebrate species. In addition, the in silico prediction for this alteration is inconclusive. Since supporting evidence is limited at this time, the clinical significance of this alteration remains unclear.